The following is an entry in ClinVar:

ClinVar aggregate classification (germline): Benign/Likely benign. Review status: criteria provided, multiple submitters, no conflicts (2 of 4 stars). 3 submissions from 3 submitters: Benign (1); Likely benign (2). Last evaluated 2023-11-27.

Conditions:
3-methylglutaconic aciduria with deafness, encephalopathy, and Leigh-like syndrome (MEGDEL). Also called: SERAC1 Deficiency; 3-METHYLGLUTACONIC ACIDURIA, TYPE VI; MEGDEL syndrome. Identifiers: Orphanet 352328, MedGen C4040739, MONDO:0013875, OMIM 614739.

Allele frequency attached by ClinVar (database versions not stated): ExAC 0.00002; gnomAD exomes 0.00002 and 0.00004; gnomAD 0.00004 and 0.00005; TOPMed 0.00005.
gnomAD v4.1: 46 of 1,613,900 alleles (0.0029%); highest among the groups gnomAD compares: Non-Finnish European, 0.00042%; no homozygotes.

Submissions (3):

Labcorp Genetics (formerly Invitae), Labcorp
Classification: Likely benign for 3-methylglutaconic aciduria with deafness, encephalopathy, and Leigh-like syndrome. Last evaluated: 2023-11-27. Review status: criteria provided, single submitter. Criteria: Invitae Variant Classification Sherloc (09022015). Collection method: clinical testing. Allele origin: germline.

Genome-Nilou Lab
Classification: Benign for 3-methylglutaconic aciduria with deafness, encephalopathy, and Leigh-like syndrome. Last evaluated: 2022-03-15. Review status: criteria provided, single submitter. Criteria: ACMG Guidelines, 2015. Collection method: clinical testing. Allele origin: germline. Affected: no.

GeneDx
Classification: Likely benign. Last evaluated: 2016-08-12. Review status: criteria provided, single submitter. Criteria: GeneDx Variant Classification (06012015). Collection method: clinical testing. Allele origin: germline. Affected: yes.
Comment: This variant is considered likely benign or benign based on one or more of the following criteria: it is a conservative change, it occurs at a poorly conserved position in the protein, it is predicted to be benign by multiple in silico algorithms, and/or has population frequency not consistent with disease.

NM_032861.4(SERAC1):c.999T>C (p.Ser333=)

Gene: SERAC1 (serine active site containing 1; minus strand). Cytogenetic location: 6q25.3.
Variant type: single nucleotide variant.
Coding change: c.999T>C on transcript NM_032861.4 (MANE Select); coding-DNA position 999, T replaced by C.
Protein change: p.Ser333=; no amino-acid change (serine 333 retained).
Molecular consequence: synonymous variant. On other transcripts: non-coding transcript variant (1).
Genome position (GRCh38, 1-based): chr6:158,128,124, A>G on the plus strand (T>C on the coding strand, the complement: SERAC1 is on the minus strand). VCF-style: chr6-158128124-A-G. GRCh37 (hg19) VCF-style: chr6-158549156-A-G.
Identifiers: ClinVar variation 387771 (VCV000387771.11), dbSNP rs746668292, ClinGen allele CA4071222.